The following continues an entry in ClinVar:

NM_000243.3(MEFV):c.2177T>C (p.Val726Ala)

Gene: MEFV. ClinVar aggregate classification (germline): Pathogenic/Likely pathogenic. Pathogenic (44); Likely pathogenic (6).

Submissions 39 to 61 of 61:

Myriad Genetics, Inc.
Classification: Pathogenic for Familial Mediterranean fever. Last evaluated: 2019-10-18. Review status: criteria provided, single submitter. Criteria: Myriad Women's Health Autosomal Recessive and X-Linked Classification Criteria (2019). Collection method: clinical testing. Allele origin: unknown.
Comment: NM_000243.2(MEFV):c.2177T>C(V726A) is classified as pathogenic in the context of familial Mediterranean fever. Please note that in the absence of a known personal and/or family history of inflammatory disease, the clinical significance of MEFV variant status is uncertain. Sources cited for classification include the following: PMID 10234504, 9288758, 10612841, 16378925, 21995303, 23907647, 16785446, 10024914, 10364520, 16378925. Classification of NM_000243.2(MEFV):c.2177T>C(V726A) is based on the following criteria: This is a well-established pathogenic variant in the literature that has been observed more frequently in patients with clinical diagnoses than in healthy populations. Please note: this variant was assessed in the context of healthy population screening.

Hadassah Hebrew University Medical Center
Classification: Pathogenic for Familial Mediterranean fever. Last evaluated: 2019-06-20. Review status: criteria provided, single submitter. Criteria: ACMG Guidelines, 2015. Collection method: clinical testing. Allele origin: germline. Affected: yes.

Illumina Laboratory Services, Illumina
Classification: Pathogenic for Familial Mediterranean fever. Last evaluated: 2018-09-24. Review status: criteria provided, single submitter. Criteria: ICSL Variant Classification Criteria 09 May 2019. Collection method: clinical testing. Allele origin: germline.
Comment: The MEFV c.2177T>C (p.Val726Ala) variant is one of the most common pathogenic variants known to cause familial Mediterranean fever (FMF) and is well-documented in the literature. Across a selection of available literature, the p.Val726Ala variant has been identified in at least 110 probands in a homozygous state and 21 probands in a compound heterozygous state (International FMF Consortium, 1997; Mattit et al. 2006; Bektas et al. 2008; Moradian et al. 2014). The frequency of the p.Val726Ala variant is significantly higher in FMF probands than in controls, and has been reported in 14-28% of proband alleles and 2.3-4.6% of control alleles in two studies (Mattit et al. 2006; Moradian et al. 2014). The p.Val726Ala variant is reported at a frequency of 0.004021 in the Other population of the Genome Aggregation Database. Based on the evidence, the p.Val726Ala variant is classified as pathogenic for familial Mediterranean fever. This variant was observed by ICSL as part of a predisposition screen in an ostensibly healthy population.

Human Genome Sequencing Center Clinical Lab, Baylor College of Medicine
Classification: Likely pathogenic for Familial Mediterranean fever. Last evaluated: 2017-07-07. Review status: criteria provided, single submitter. Criteria: ACMG Guidelines, 2015. Collection method: clinical testing. Allele origin: germline.
Comment: This c.2177T>C (p.Val726Ala) variant in the MEFV gene has been reported in multiple patients with familial Mediterranean fever [OMIM: 608107.0003]. Homozygous patients and compound heterozygous patients for this p.Val726Ala variant present with fever, abdominal pain and thoracic pain [PMID 23907647]. This variant has been detected in 224 heterozygous and 6 homozygous individuals from the ExAC population database; no phenotypic information is available for the homozygous individuals. Valine at amino acid position 726 of the MEFV protein is not well conserved in mammals and computer-based algorithms predict this p.Val726Ala change to be benign. Thus, this variant is classified as likely pathogenic.

Fulgent Genetics
Classification: Pathogenic for Familial Mediterranean fever, autosomal dominant; Familial Mediterranean fever. Last evaluated: 2017-05-18. Review status: criteria provided, single submitter. Criteria: ACMG Guidelines, 2015. Collection method: clinical testing. Allele origin: unknown.

Eurofins Ntd Llc (ga)
Classification: Pathogenic. Last evaluated: 2017-02-15. Review status: criteria provided, single submitter. Criteria: EGL Classification Definitions 2015. Collection method: clinical testing. Allele origin: germline. Observed: 8 variant alleles, 8 heterozygotes.

Center for Pediatric Genomic Medicine, Children's Mercy Hospital and Clinics
Classification: Pathogenic. Last evaluated: 2015-12-22. Review status: criteria provided, single submitter. Criteria: ACMG Guidelines, 2015. Collection method: clinical testing. Allele origin: germline.

Clinical Genetics and Genomics, Karolinska University Hospital
Classification: Pathogenic. Last evaluated: 2014-10-01. Review status: criteria provided, single submitter. Criteria: ACMG Guidelines, 2015. Collection method: clinical testing. Allele origin: germline. Affected: yes. Observed: 68 variant alleles.

Arcensus
Classification: Pathogenic for Familial Mediterranean fever. Last evaluated: 2013-02-01. Review status: criteria provided, single submitter. Criteria: ACMG Guidelines, 2015. Collection method: clinical testing. Allele origin: germline. Affected: yes.

Institute of Human Genetics, University Hospital of Duesseldorf
Classification: Pathogenic for Familial Mediterranean fever. Review status: criteria provided, single submitter. Criteria: ACMG Guidelines, 2015. Collection method: not provided. Allele origin: germline. Inheritance: Autosomal recessive inheritance. Affected: yes.

Intergen Genetics and Rare Diseases Diagnosis Center
Classification: Pathogenic for Familial Mediterranean fever. Review status: criteria provided, single submitter. Criteria: ACMG Guidelines, 2015. Collection method: clinical testing. Allele origin: unknown. Affected: no. Observed: 1 heterozygote.

Kariminejad - Najmabadi Pathology & Genetics Center
Classification: Likely pathogenic for Familial Mediterranean fever. Review status: criteria provided, single submitter. Criteria: ACMG Guidelines, 2015. Collection method: clinical testing. Allele origin: germline. Affected: no.

Zotz-Klimas Genetics Lab, MVZ Zotz Klimas
Classification: Pathogenic for Familial Mediterranean fever. Last evaluated: 2023-11-02. Review status: no assertion criteria provided. Collection method: clinical testing. Allele origin: germline. Affected: yes. Not counted in ClinVar's aggregate classification.

Natera, Inc.
Classification: Pathogenic for Familial Mediterranean fever. Last evaluated: 2020-01-21. Review status: no assertion criteria provided. Collection method: clinical testing. Allele origin: germline. Not counted in ClinVar's aggregate classification.

Reproductive Health Research and Development, BGI Genomics
Classification: Pathogenic for Familial Mediterranean fever. Last evaluated: 2020-01-06. Review status: no assertion criteria provided. Collection method: curation. Allele origin: germline. Not counted in ClinVar's aggregate classification.
Comment: NM_000243.2:c.2177T>C in the MEFV gene has an allele frequency of 0.039 in Ashkenazi Jewish subpopulation in the gnomAD database. Functional studies demonstrate that p.Val726Ala has decreased protein binding activity(PMID: 16785446). It was detected in multiple individuals with autosomal recessive Familial Mediterranean Fever, compound heterozygous with c.2080A>G (p.Met694Val)(PMID: 10879615),c.2080A>G (p.Met694Val) (PMID: 11977178). The patient's phenotype is highly specific for MEFV gene (PMID: 10879615; 11977178).Taken together, we interprete this variant as Pathogenic/Likely pathogenic. ACMG/AMP criteria applied: PM3_Strong; PS3; PP4.

Biochemical Molecular Genetic Laboratory, King Abdulaziz Medical City
Classification: Pathogenic for Familial Mediterranean fever, autosomal dominant. Last evaluated: 2019-08-25. Review status: no assertion criteria provided. Collection method: clinical testing. Allele origin: germline. Affected: yes. Not counted in ClinVar's aggregate classification.

OMIM
Classification: Pathogenic for FAMILIAL MEDITERRANEAN FEVER. Last evaluated: 1997-09-01. Review status: no assertion criteria provided. Collection method: literature only. Allele origin: germline. Not counted in ClinVar's aggregate classification.

Clinical Genetics DNA and cytogenetics Diagnostics Lab, Erasmus MC, Erasmus Medical Center
Classification: Pathogenic. Review status: no assertion criteria provided. Collection method: clinical testing. Allele origin: germline. Affected: yes. Study: VKGL Data-share Consensus. Not counted in ClinVar's aggregate classification.

Diagnostic Laboratory, Department of Genetics, University Medical Center Groningen
Classification: Pathogenic. Review status: no assertion criteria provided. Collection method: clinical testing. Allele origin: germline. Affected: yes. Study: VKGL Data-share Consensus. Not counted in ClinVar's aggregate classification.

GeneReviews
No classification provided. Condition: Familial Mediterranean fever. Review status: no classification provided. Collection method: literature only. Allele origin: germline. Affected: yes. Not counted in ClinVar's aggregate classification.

Genome Diagnostics Laboratory, University Medical Center Utrecht
Classification: Pathogenic. Review status: no assertion criteria provided. Collection method: clinical testing. Allele origin: germline. Affected: yes. Study: VKGL Data-share Consensus. Not counted in ClinVar's aggregate classification.

Genomics And Bioinformatics Analysis Resource, Columbia University
Classification: Pathogenic for Familial Mediterranean fever. Review status: no assertion criteria provided. Collection method: research. Allele origin: unknown. Affected: yes. Not counted in ClinVar's aggregate classification.
Comment: Compound Heterozygous

Joint Genome Diagnostic Labs from Nijmegen and Maastricht, Radboudumc and MUMC+
Classification: Pathogenic. Review status: no assertion criteria provided. Collection method: clinical testing. Allele origin: germline. Affected: yes. Study: VKGL Data-share Consensus. Not counted in ClinVar's aggregate classification.

Literature cited by the submitters: PubMed 29393966 (cited by Victorian Clinical Genetics Services, Murdoch Childrens Research Institute); PubMed 11528510 (cited by Victorian Clinical Genetics Services, Murdoch Childrens Research Institute); PubMed 16785446 (cited by 5 submitters); PubMed 21600797 (cited by 7 submitters); PubMed 31088470 (cited by Victorian Clinical Genetics Services, Murdoch Childrens Research Institute); PubMed 20301405 (cited by 3 submitters); PubMed 9288758 (cited by 6 submitters); PubMed 10879615 (cited by Labcorp Genetics (formerly Invitae), Labcorp and Dasa); PubMed 11977178 (cited by 5 submitters); PubMed 11464238 (cited by 4 submitters); PubMed 15745878 (cited by Labcorp Genetics (formerly Invitae), Labcorp and Dasa); PubMed 23907647 (cited by 7 submitters); PubMed 28386255 (cited by Department of Molecular Genetics, Istishari Arab Hospital); PubMed 27659338 (cited by 3 submitters); PubMed 12461684 (cited by Department of Molecular Genetics, Istishari Arab Hospital); PubMed 16627024 (cited by 3 submitters); PubMed 16730661 (cited by Ambry Genetics); PubMed 20485448 (cited by Ambry Genetics); PubMed 21995303 (cited by 4 submitters); PubMed 34988684 (cited by Molecular Genetics, Royal Melbourne Hospital); PubMed 36076017 (cited by Molecular Genetics, Royal Melbourne Hospital); PubMed 10090880 (cited by Mayo Clinic Laboratories, Mayo Clinic); PubMed 20669279 (cited by Mayo Clinic Laboratories, Mayo Clinic); PubMed 23164758 (cited by Mayo Clinic Laboratories, Mayo Clinic); PubMed 23588594 (cited by Mayo Clinic Laboratories, Mayo Clinic); PubMed 29599418 (cited by Mayo Clinic Laboratories, Mayo Clinic); PubMed 33440462 (cited by Mayo Clinic Laboratories, Mayo Clinic); PubMed 25393764 (cited by Laboratory for Molecular Medicine, Mass General Brigham Personalized Medicine and Women's Health and Genetics/Laboratory Corporation of America, LabCorp); PubMed 27994174 (cited by Laboratory for Molecular Medicine, Mass General Brigham Personalized Medicine); PubMed 26690517 (cited by Laboratory for Molecular Medicine, Mass General Brigham Personalized Medicine); PubMed 9527614 (cited by Women's Health and Genetics/Laboratory Corporation of America, LabCorp); PubMed 12929299 (cited by Women's Health and Genetics/Laboratory Corporation of America, LabCorp); PubMed 10234504 (cited by Myriad Genetics, Inc.); PubMed 10612841 (cited by Myriad Genetics, Inc.); PubMed 16378925 (cited by Myriad Genetics, Inc.); PubMed 10024914 (cited by Myriad Genetics, Inc.); PubMed 10364520 (cited by Myriad Genetics, Inc.); PubMed 33223529 (cited by Hadassah Hebrew University Medical Center); PubMed 18386244 (cited by Illumina Laboratory Services, Illumina); PubMed 9288094 (cited by OMIM); NCBI Bookshelf NBK1227 (cited by GeneReviews).